The following is an entry in ClinVar:

NM_170707.4(LMNA):c.629T>C (p.Ile210Thr)

Gene: LMNA (lamin A/C; plus strand). Cytogenetic location: 1q22.
Variant type: single nucleotide variant.
Coding change: c.629T>C on transcript NM_170707.4 (MANE Select); coding-DNA position 629, T replaced by C.
Protein change: p.Ile210Thr; replaces isoleucine 210 with threonine.
Molecular consequence: missense variant.
Genome position (GRCh38, 1-based): chr1:156,134,518, T>C. VCF-style: chr1-156134518-T-C. GRCh37 (hg19) VCF-style: chr1-156104309-T-C.
Other names: c.293T>C, p.Ile98Thr (NM_001257374.3); c.386T>C, p.Ile129Thr (NM_001282624.2); c.629T>C, p.Ile210Thr (NM_001282625.2, NM_001282626.2, NM_005572.4 and 1 more transcripts); short protein forms I98T, I129T, I210T.
Identifiers: ClinVar variation 1518907 (VCV001518907.6), dbSNP rs267607572, ClinGen allele CA342817078.

ClinVar aggregate classification (germline): Uncertain significance (1 of 4 stars; one submission).

Conditions:
Charcot-Marie-Tooth disease type 2. Also called: Charcot-Marie-Tooth type 2. Identifiers: Orphanet 64746, MedGen C0270914, MONDO:0018993.

Submission:

Labcorp Genetics (formerly Invitae), Labcorp
Classification: Uncertain significance for Charcot-Marie-Tooth disease type 2. Last evaluated: 2022-03-25. Review status: criteria provided, single submitter. Criteria: Invitae Variant Classification Sherloc (09022015). Collection method: clinical testing. Allele origin: germline.
Comment: In summary, the available evidence is currently insufficient to determine the role of this variant in disease. Therefore, it has been classified as a Variant of Uncertain Significance. Algorithms developed to predict the effect of missense changes on protein structure and function (SIFT, PolyPhen-2, Align-GVGD) all suggest that this variant is likely to be disruptive. This variant has not been reported in the literature in individuals affected with LMNA-related conditions. This variant is not present in population databases (gnomAD no frequency). This sequence change replaces isoleucine, which is neutral and non-polar, with threonine, which is neutral and polar, at codon 210 of the LMNA protein (p.Ile210Thr).